The following is an entry in ClinVar:

ClinVar aggregate classification (germline): Likely benign. Review status: criteria provided, multiple submitters, no conflicts (2 of 4 stars). 4 submissions from 4 submitters: Likely benign (4). Last evaluated 2025-04-17.

Conditions:
RYR1-related disorder. Also called: RYR1-related condition; RYR1-related disorders. Identifiers: MedGen CN239331.
Malignant hyperthermia, susceptibility to, 1 (MHS1). Also called: RYR1-Related Malignant Hyperthermia Susceptibility; Anesthesia related hyperthermia; Malignant hyperpyrexia; Fulminating hyperpyrexia; Pharmacogenic myopathy; Malignant hyperthermia suceptibility 1. Identifiers: Orphanet 423, MedGen C2930980, MONDO:0007783, OMIM 145600.

Allele frequency attached by ClinVar (database versions not stated): ExAC 0.00001; gnomAD 0.00001; gnomAD exomes 0.00001.
gnomAD v4.1: 12 of 1,614,008 alleles (0.00074%); highest among the groups gnomAD compares: Middle Eastern, 0.016%; no homozygotes.

Submissions (4):

Labcorp Genetics (formerly Invitae), Labcorp
Classification: Likely benign for RYR1-related disorder. Last evaluated: 2025-04-17. Review status: criteria provided, single submitter. Criteria: Invitae Variant Classification Sherloc (09022015). Collection method: clinical testing. Allele origin: germline.

Blueprint Genetics
Classification: Likely benign. Last evaluated: 2024-11-23. Review status: criteria provided, single submitter. Criteria: ACMG Guidelines, 2015. Collection method: clinical testing. Allele origin: germline.

All of Us Research Program, National Institutes of Health
Classification: Likely benign for Malignant hyperthermia, susceptibility to, 1. Last evaluated: 2023-11-30. Review status: criteria provided, single submitter. Criteria: ACMG Guidelines, 2015. Collection method: clinical testing. Allele origin: germline. Inheritance: Autosomal dominant inheritance. Observed: 3 variant alleles, 3 heterozygotes.
Comment: This study involves interpretation of variants in research participants for the purpose of population health screening. Participant phenotype was not available at the time of variant classification. Additional details can be found in publication PMID: 35346344, PMCID: PMC8962531

CeGaT Center for Human Genetics Tuebingen
Classification: Likely benign. Last evaluated: 2023-01-01. Review status: criteria provided, single submitter. Criteria: CeGaT Center For Human Genetics Tuebingen Variant Classification Criteria Version 2. Collection method: clinical testing. Allele origin: germline. Affected: yes. Observed: 1 variant allele.
Comment: RYR1: BP4, BP7

NM_000540.3(RYR1):c.2688G>A (p.Arg896=)

Gene: RYR1 (ryanodine receptor 1; plus strand). Cytogenetic location: 19q13.2.
Variant type: single nucleotide variant.
Coding change: c.2688G>A on transcript NM_000540.3 (MANE Select); coding-DNA position 2688, G replaced by A.
Protein change: p.Arg896=; no amino-acid change (arginine 896 retained).
Molecular consequence: synonymous variant.
Genome position (GRCh38, 1-based): chr19:38,463,752, G>A. VCF-style: chr19-38463752-G-A. GRCh37 (hg19) VCF-style: chr19-38954392-G-A.
Other names: c.2688G>A, p.Arg896= (NM_001042723.2).
Identifiers: ClinVar variation 1117724 (VCV001117724.38), dbSNP rs756136148, ClinGen allele CA063793.